The following is an entry in ClinVar:

ClinVar aggregate classification (germline): Conflicting classifications of pathogenicity. Review status: criteria provided, conflicting classifications (1 of 4 stars). 2 submissions from 2 submitters: Uncertain significance (1); Likely benign (1). Last evaluated 2025-03-06.

Conditions:
PLXNA3-related disorder. Also called: PLXNA3-related condition.

Allele frequency attached by ClinVar (database versions not stated): ExAC 0.00007; TOPMed 0.00009; gnomAD 0.00010.
gnomAD v4.1: 74 of 1,210,776 alleles (0.0061%); highest among the groups gnomAD compares: South Asian, 0.012%; no homozygotes.

Submissions (2):

PreventionGenetics, part of Exact Sciences
Classification: Likely benign for PLXNA3-related condition. Last evaluated: 2025-03-06. Review status: criteria provided, single submitter. Criteria: ACMG Guidelines, 2015. Collection method: clinical testing. Allele origin: germline.
Comment: This variant is classified as likely benign based on ACMG/AMP sequence variant interpretation guidelines (Richards et al. 2015 PMID: 25741868, with internal and published modifications).

Ambry Genetics
Classification: Uncertain significance. Last evaluated: 2024-10-21. Review status: criteria provided, single submitter. Criteria: Ambry Variant Classification Scheme 2023. Collection method: clinical testing. Allele origin: germline.

NM_017514.5(PLXNA3):c.997C>T (p.Arg333Trp)

Gene: PLXNA3 (plexin A3; plus strand). Cytogenetic location: Xq28.
Variant type: single nucleotide variant.
Coding change: c.997C>T on transcript NM_017514.5 (MANE Select); coding-DNA position 997, C replaced by T.
Protein change: p.Arg333Trp; replaces arginine 333 with tryptophan.
Molecular consequence: missense variant.
Genome position (GRCh38, 1-based): chrX:154,461,501, C>T. VCF-style: chrX-154461501-C-T. GRCh37 (hg19) VCF-style: chrX-153689841-C-T.
Other names: c.997C>T (NM_017514.3); short protein forms R333W.
Identifiers: ClinVar variation 2634281 (VCV002634281.4), dbSNP rs199954840, ClinGen allele CA10563877.
Genomic context (GRCh38, chrX:154,461,501, plus strand): 5'-GATGAGGACGTCCTCTTCACCATCTTCTCTCAGGGCCAGAAGAACCGGGCCAGCCCACCC[C>T]GGCAGACCATCCTCTGCCTCTTCACCCTCAGCAACATCAATGCCCACATCCGGCGCCGCA-3'
Protein context (NP_059984.3, residues 323-343): QGQKNRASPP[Arg333Trp]QTILCLFTLS